The following is an entry in ClinVar:

ClinVar aggregate classification (germline): Benign/Likely benign. Review status: criteria provided, multiple submitters, no conflicts (2 of 4 stars). 5 submissions from 5 submitters: Benign (1); Likely benign (4). Last evaluated 2025-12-29.

Conditions:
Renal cell carcinoma. Identifiers: Orphanet 217071, MedGen C0007134, MeSH D002292, MONDO:0005086, HP:0005584.
Hereditary cancer-predisposing syndrome. Also called: Tumor predisposition; Hereditary neoplastic syndrome; Hereditary Cancer Syndrome; Neoplastic Syndromes, Hereditary. Identifiers: Orphanet 140162, MedGen C0027672, MeSH D009386, MONDO:0015356.
Papillary renal cell carcinoma type 1 (RCCP1). Also called: Renal adenocarcinoma; Renal cell carcinoma 1; Renal cell carcinoma, somatic; RENAL CELL CARCINOMA, PAPILLARY, 1, SOMATIC. Identifiers: Orphanet 47044, MedGen C1336839, OMIM 605074, HP:0011797.

Allele frequency attached by ClinVar (database versions not stated): TOPMed below 0.00001; gnomAD 0.00001.
gnomAD v4.1: 11 of 1,613,700 alleles (0.00068%); highest among the groups gnomAD compares: African/African-American, 0.0013%; no homozygotes.

Submissions (5):

Center for Genomic Medicine, Rigshospitalet, Copenhagen University Hospital
Classification: Likely benign. Last evaluated: 2025-12-29. Review status: criteria provided, single submitter. Criteria: ACMG Guidelines, 2015. Collection method: clinical testing. Allele origin: germline.

Labcorp Genetics (formerly Invitae), Labcorp
Classification: Likely benign for Renal cell carcinoma. Last evaluated: 2025-10-27. Review status: criteria provided, single submitter. Criteria: Invitae Variant Classification Sherloc (09022015). Collection method: clinical testing. Allele origin: germline.

Myriad Genetics, Inc.
Classification: Benign for Papillary renal cell carcinoma type 1. Last evaluated: 2024-11-14. Review status: criteria provided, single submitter. Criteria: Myriad Autosomal Dominant, Autosomal Recessive and X-Linked Classification Criteria (2023). Collection method: clinical testing. Allele origin: unknown.
Comment: This variant is considered benign. This variant is a silent/synonymous amino acid change and it is not expected to impact splicing.

CeGaT Center for Human Genetics Tuebingen
Classification: Likely benign. Last evaluated: 2024-01-01. Review status: criteria provided, single submitter. Criteria: CeGaT Center For Human Genetics Tuebingen Variant Classification Criteria Version 2. Collection method: clinical testing. Allele origin: germline. Affected: yes. Observed: 1 variant allele.
Comment: MET: BP4, BP7

Ambry Genetics
Classification: Likely benign for Hereditary cancer-predisposing syndrome. Last evaluated: 2015-07-17. Review status: criteria provided, single submitter. Criteria: Ambry Variant Classification Scheme 2023. Collection method: clinical testing. Allele origin: germline.

NM_000245.4(MET):c.3804C>G (p.Ser1268=)

Gene: MET (MET proto-oncogene, receptor tyrosine kinase; plus strand). Cytogenetic location: 7q31.2.
Variant type: single nucleotide variant.
Coding change: c.3804C>G on transcript NM_000245.4 (MANE Select); coding-DNA position 3804, C replaced by G.
Protein change: p.Ser1268=; no amino-acid change (serine 1268 retained).
Molecular consequence: synonymous variant.
Genome position (GRCh38, 1-based): chr7:116,795,660, C>G. VCF-style: chr7-116795660-C-G. GRCh37 (hg19) VCF-style: chr7-116435714-C-G.
Other names: c.3858C>G (LRG_662t1); c.3858C>G, p.Ser1286= (NM_001127500.3); c.2514C>G, p.Ser838= (NM_001324402.2).
Identifiers: ClinVar variation 416940 (VCV000416940.37), dbSNP rs764822445, ClinGen allele CA4448783.